The following is an entry in ClinVar:

ClinVar aggregate classification (germline): Uncertain significance (3 of 4 stars; one submission).

Conditions:
Monogenic diabetes. Identifiers: Orphanet 183625, MedGen C3888631, MONDO:0015967.

Submission:

ClinGen Monogenic Diabetes Variant Curation Expert Panel
Classification: Uncertain significance for Monogenic diabetes. Last evaluated: 2024-04-05. Review status: reviewed by expert panel. Criteria: ClinGen Diabetes ACMG Specifications HNF4A V2.0.0. Collection method: curation. Allele origin: germline. Inheritance: Autosomal dominant inheritance.
Comment: The c.194G>A variant in the hepatocyte nuclear factor 4-alpha gene, HNF4A, causes an amino acid change of serine to asparagine at codon 65 (p.(Ser65Asn)) of NM_175914.5. This variant is absent in gnomAD v2.1.1 (PM2_Supporting), was identified in an individual with a clinical history highly specific for HNF4A-MODY (MODY probability calculator result >50%, negative genetic testing for HNF1A, and response to low-dose sulfonylureas) (PP4_Moderate; internal lab contributor). This variant segregated with diabetes with one informative meiosis this family; however, this does not meet the thresholds for PP1 set by the ClinGen MDEP (PMID: 27236918, internal lab contributor). This variant is predicted to be deleterious by computational evidence, with a REVEL score of 0.913, which is greater than the MDEP VCEP threshold of 0.70 (PP3). It is also located within the DNA binding domain (codons 37-113 of HNF4A), which is defined as critical for the protein’s function by the ClinGen MDEP (PM1_Supporting). Another missense variant, c.195C>A (p.(Ser65Arg)), has been classified as a VUS by the ClinGen MDEP; therefore, PM5 will not be applied. In summary, c.194G>A meets the criteria to be classified as a variant of uncertain significance for monogenic diabetes. ACMG/AMP criteria applied, as specified by the ClinGen MDEP (specification version 2.0.0 approved 10/11/2023): PP4_Moderate, PP3, PM1_Supporting, PM2_Supporting.

NM_175914.5(HNF4A):c.194G>A (p.Ser65Asn)

Gene: HNF4A (hepatocyte nuclear factor 4 alpha; plus strand). Cytogenetic location: 20q13.12.
Variant type: single nucleotide variant.
Coding change: c.194G>A on transcript NM_175914.5 (MANE Select); coding-DNA position 194, G replaced by A.
Protein change: p.Ser65Asn; replaces serine 65 with asparagine.
Molecular consequence: missense variant.
Genome position (GRCh38, 1-based): chr20:44,406,202, G>A. VCF-style: chr20-44406202-G-A. GRCh37 (hg19) VCF-style: chr20-43034842-G-A.
Other names: NM_175914.5:c.194G>A; c.260G>A, p.Ser87Asn (NM_000457.6, NM_178849.3, NM_178850.3); c.194G>A, p.Ser65Asn (NM_001030003.3, NM_001030004.3); c.239G>A, p.Ser80Asn (NM_001258355.2); c.185G>A, p.Ser62Asn (NM_001287182.2, NM_001287183.2, NM_001287184.2); short protein forms S62N, S65N, S80N, S87N.
Identifiers: ClinVar variation 3068534 (VCV003068534.1), dbSNP rs2515644908, ClinGen allele CA409103960.
Genomic context (GRCh38, chr20:44,406,202, plus strand): 5'-CCACGGGCAAACACTACGGTGCCTCGAGCTGTGACGGCTGCAAGGGCTTCTTCCGGAGGA[G>A]CGTGCGGAAGAACCACATGTACTCCTGCAGGTGAGGAGCCTCAATTTCTTCAGCTGGGAA-3'
Protein context (NP_787110.2, residues 55-75): CDGCKGFFRR[Ser65Asn]VRKNHMYSCR